The following is an entry in ClinVar:

NM_000038.6(APC):c.3443_3444insG (p.Ser1148_Glu1149insTer)

Gene: APC (APC regulator of Wnt signaling pathway; plus strand). Cytogenetic location: 5q22.2.
Variant type: Insertion.
Coding change: c.3443_3444insG on transcript NM_000038.6 (MANE Select); coding-DNA positions 3443 to 3444, G inserted.
Protein change: p.Ser1148_Glu1149insTer.
Molecular consequence: frameshift variant.
Genome position: GRCh38 VCF-style: chr5-112839037-C-CG. GRCh37 (hg19) VCF-style: chr5-112174734-C-CG.
Other names: c.3443_3444insG, p.Ser1148_Glu1149insTer (NM_001127510.3, NM_001354895.2); c.3389_3390insG, p.Ser1130_Glu1131insTer (NM_001127511.3); c.3497_3498insG, p.Ser1166_Glu1167insTer (NM_001354896.2); c.3473_3474insG, p.Ser1158_Glu1159insTer (NM_001354897.2); c.3368_3369insG, p.Ser1123_Glu1124insTer (NM_001354898.2); c.3359_3360insG, p.Ser1120_Glu1121insTer (NM_001354899.2); c.3320_3321insG, p.Ser1107_Glu1108insTer (NM_001354900.2); c.3266_3267insG, p.Ser1089_Glu1090insTer (NM_001354901.2); and 5 more.
Identifiers: ClinVar variation 1343461 (VCV001343461.1), dbSNP rs2149892043, ClinGen allele CA2573052388.
Genomic context (GRCh38, chr5:112,839,037, plus strand): 5'-CTTTGTGTCAAGAAGATGACTATGAAGATGATAAGCCTACCAATTATAGTGAACGTTACT[C>CG]TGAAGAAGAACAGCATGAAGAAGAAGAGAGACCAACAAATTATAGCATAAAATATAATGA-3'

ClinVar aggregate classification (germline): Likely pathogenic (1 of 4 stars; one submission).

Conditions:
Familial multiple polyposis syndrome (FAP). Also called: Familial polyposis; Familial adenomatous polyposis; Familial intestinal polyposis; Classic familial adenomatous polyposis; Familial Adenomatous Polyposis (FAP). Identifiers: Orphanet 733, MedGen C0032580, MONDO:0021055. Disease mechanism: loss of function.

Submission:

Women's Health and Genetics/Laboratory Corporation of America, LabCorp
Classification: Likely pathogenic for Familial multiple polyposis syndrome. Last evaluated: 2022-02-24. Review status: criteria provided, single submitter. Criteria: LabCorp Variant Classification Summary - May 2015. Collection method: clinical testing. Allele origin: germline.
Comment: Variant summary: APC c.3443_3444insG (p.Glu1149X) results in a premature termination codon, predicted to cause a truncation of the encoded protein or absence of the protein due to nonsense mediated decay, which are commonly known mechanisms for disease. Truncations downstream of this position have been classified as pathogenic by our laboratory. The variant was absent in 250962 control chromosomes. To our knowledge, no occurrence of c.3443_3444insG in individuals affected with Familial Adenomatous Polyposis and no experimental evidence demonstrating its impact on protein function have been reported. No clinical diagnostic laboratories have submitted clinical-significance assessments for this variant to ClinVar after 2014. Based on the evidence outlined above, the variant was classified as likely pathogenic.